The following is an entry in ClinVar:

ClinVar aggregate classification (germline): Uncertain significance (1 of 4 stars; one submission).

Submission:

GeneDx
Classification: Uncertain significance. Last evaluated: 2018-05-11. Review status: criteria provided, single submitter. Criteria: GeneDx Variant Classification (06012015). Collection method: clinical testing. Allele origin: germline. Affected: yes.
Comment: The c.10979delC variant in the KMT2C gene has not been reported previously as a pathogenic variant nor as a benign variant, to our knowledge. This variant is not observed in large population cohorts (Lek et al., 2016). The c.10979delC variant causes a frameshift starting with codon Serine 3660, changes this amino acid to a Tryptophan residue, and creates a premature Stop codon at position 21 of the new reading frame, denoted p.Ser3660TrpfsX21. This variant is predicted to cause loss of normal protein function either through protein truncation or nonsense-mediated mRNA decay. However, loss-of-function is not a known mechanism of disease for the KMT2C gene.

NM_170606.3(KMT2C):c.10979del (p.Ser3660fs)

Gene: KMT2C (lysine methyltransferase 2C; minus strand). Cytogenetic location: 7q36.1.
Variant type: Deletion.
Coding change: c.10979del on transcript NM_170606.3 (MANE Select); coding-DNA position 10979, one base deleted (C; older notation c.10979delC).
Protein change: p.Ser3660fs; shifts the reading frame from serine 3660.
Molecular consequence: frameshift variant.
Genome position (GRCh38, 1-based): chr7:152,162,598, G deleted on the plus strand (C on the coding strand, the reverse complement: KMT2C is on the minus strand). VCF-style (leftmost placement, unchanged base first): chr7-152162597-CG-C. GRCh37 (hg19) VCF-style: chr7-151859682-CG-C.
Other names: short protein forms S3660fs.
Identifiers: ClinVar variation 503805 (VCV000503805.2), dbSNP rs1554476650, ClinGen allele CA658797061.